The following is an entry in ClinVar:

NM_001853.4(COL9A3):c.1928C>T (p.Pro643Leu)

Gene: COL9A3 (collagen type IX alpha 3 chain; plus strand). Cytogenetic location: 20q13.33.
Variant type: single nucleotide variant.
Coding change: c.1928C>T on transcript NM_001853.4 (MANE Select); coding-DNA position 1928, C replaced by T.
Protein change: p.Pro643Leu; replaces proline 643 with leucine.
Molecular consequence: missense variant.
Genome position (GRCh38, 1-based): chr20:62,840,605, C>T. VCF-style: chr20-62840605-C-T. GRCh37 (hg19) VCF-style: chr20-61471957-C-T.
Other names: c.1928C>T (NM_001853.3); short protein forms P643L.
Identifiers: ClinVar variation 1493459 (VCV001493459.11), dbSNP rs2147235760, ClinGen allele CA409601449.
Genomic context (GRCh38, chr20:62,840,605, plus strand): 5'-CCCAAGGCGTGCCCGGCACCAGCAAGGACGGCCAGGACGGTGCTCCCGGCGAGCCTGGGC[C>T]TCCCGGAGATCCTGGGCTTCCAGGTGCCATTGGGGCCCAGGGGACACCGGGGATCTGCGA-3'
Protein context (NP_001844.3, residues 633-653): GQDGAPGEPG[Pro643Leu]PGDPGLPGAI

ClinVar aggregate classification (germline): Conflicting classifications of pathogenicity. Review status: criteria provided, conflicting classifications (1 of 4 stars). 4 submissions from 4 submitters: Uncertain significance (3); Likely benign (1). Last evaluated 2026-05-13.

Conditions:
COL9A3-related disorder. Also called: COL9A3-related condition.
Epiphyseal dysplasia, multiple, 3 (EDM3). Also called: COL9A3-Related Multiple Epiphyseal Dysplasia; Epiphyseal dysplasia, multiple, 3, with or without myopathy. Identifiers: MedGen C1832998, MONDO:0010964, OMIM 600969.
Intervertebral disc disorder (IDD). Also called: Lumbar disk degenerative disorder; INTERVERTEBRAL DISC DISEASE. Identifiers: MedGen C0158252, MONDO:0044339, OMIM 603932.
Stickler syndrome, type 6. Also called: Stickler syndrome, type VI; Stickler syndrome, IIa 6. Identifiers: MedGen C5774207, MONDO:0031047, OMIM 620022.
Inborn genetic diseases. Identifiers: MedGen C0950123, MeSH D030342.

Submissions (4):

PreventionGenetics, part of Exact Sciences
Classification: Uncertain significance for COL9A3-related condition. Last evaluated: 2026-05-13. Review status: criteria provided, single submitter. Criteria: ACMG Guidelines, 2015. Collection method: clinical testing. Allele origin: germline.
Comment: The COL9A3 c.1928C>T variant is predicted to result in the amino acid substitution p.Pro643Leu. To our knowledge, this variant has not been reported in the literature or in a large population database (gnomAD), indicating this variant is rare. At this time, the clinical significance of this variant is uncertain due to the absence of conclusive functional and genetic evidence.

Labcorp Genetics (formerly Invitae), Labcorp
Classification: Uncertain significance. Last evaluated: 2025-04-13. Review status: criteria provided, single submitter. Criteria: Invitae Variant Classification Sherloc (09022015). Collection method: clinical testing. Allele origin: germline.
Comment: This sequence change replaces proline, which is neutral and non-polar, with leucine, which is neutral and non-polar, at codon 643 of the COL9A3 protein (p.Pro643Leu). This variant is not present in population databases (gnomAD no frequency). This variant has not been reported in the literature in individuals affected with COL9A3-related conditions. ClinVar contains an entry for this variant (Variation ID: 1493459). Invitae Evidence Modeling of protein sequence and biophysical properties (such as structural, functional, and spatial information, amino acid conservation, physicochemical variation, residue mobility, and thermodynamic stability) indicates that this missense variant is not expected to disrupt COL9A3 protein function with a negative predictive value of 95%. In summary, the available evidence is currently insufficient to determine the role of this variant in disease. Therefore, it has been classified as a Variant of Uncertain Significance.

Ambry Genetics
Classification: Likely benign for Inborn genetic diseases. Last evaluated: 2024-12-02. Review status: criteria provided, single submitter. Criteria: Ambry Variant Classification Scheme 2023. Collection method: clinical testing. Allele origin: germline.

Fulgent Genetics
Classification: Uncertain significance for Epiphyseal dysplasia, multiple, 3; Intervertebral disc disorder; Stickler syndrome, type 6. Last evaluated: 2024-05-10. Review status: criteria provided, single submitter. Criteria: ACMG Guidelines, 2015. Collection method: clinical testing. Allele origin: germline.